The following is an entry in ClinVar:

ClinVar aggregate classification (germline): Uncertain significance (1 of 4 stars; one submission).

Submission:

Labcorp Genetics (formerly Invitae), Labcorp
Classification: Uncertain significance. Last evaluated: 2025-06-02. Review status: criteria provided, single submitter. Criteria: Invitae Variant Classification Sherloc (09022015). Collection method: clinical testing. Allele origin: germline.
Comment: This sequence change replaces valine, which is neutral and non-polar, with alanine, which is neutral and non-polar, at codon 57 of the SMARCB1 protein (p.Val57Ala). This variant is not present in population databases (gnomAD no frequency). This variant has not been reported in the literature in individuals affected with SMARCB1-related conditions. ClinVar contains an entry for this variant (Variation ID: 2880616). An algorithm developed to predict the effect of missense changes on protein structure and function (PolyPhen-2) suggests that this variant is likely to be tolerated. In summary, the available evidence is currently insufficient to determine the role of this variant in disease. Therefore, it has been classified as a Variant of Uncertain Significance.

NM_003073.5(SMARCB1):c.170T>C (p.Val57Ala)

Gene: SMARCB1 (SWI/SNF related BAF chromatin remodeling complex subunit B1; plus strand). Cytogenetic location: 22q11.23.
Variant type: single nucleotide variant.
Coding change: c.170T>C on transcript NM_003073.5 (MANE Select); coding-DNA position 170, T replaced by C.
Protein change: p.Val57Ala; replaces valine 57 with alanine.
Molecular consequence: missense variant.
Genome position (GRCh38, 1-based): chr22:23,791,832, T>C. VCF-style: chr22-23791832-T-C. GRCh37 (hg19) VCF-style: chr22-24134019-T-C.
Other names: c.170T>C, p.Val57Ala (NM_001007468.3, NM_001317946.2, NM_001362877.2); short protein forms V57A.
Identifiers: ClinVar variation 2880616 (VCV002880616.3), dbSNP rs2145960321, ClinGen allele CA410932823.
Genomic context (GRCh38, chr22:23,791,832, plus strand): 5'-GTATGTTCCGAGGTTCTCTGTACAAGAGATACCCCTCACTCTGGAGGCGACTAGCCACTG[T>C]GGAAGAGAGGAAGAAAATAGTTGCATCGTCACATGGTAAAAAAACAAAACCTAACACTAA-3'
Protein context (NP_003064.2, residues 47-67): YPSLWRRLAT[Val57Ala]EERKKIVASS